The following is an entry in ClinVar:

ClinVar aggregate classification (germline): Uncertain significance (1 of 4 stars; one submission).

Conditions:
Hereditary cancer-predisposing syndrome. Also called: Neoplastic Syndromes, Hereditary; Tumor predisposition; Hereditary neoplastic syndrome; Hereditary Cancer Syndrome. Identifiers: Orphanet 140162, MedGen C0027672, MeSH D009386, MONDO:0015356.

Submission:

Ambry Genetics
Classification: Uncertain significance for Hereditary cancer-predisposing syndrome. Last evaluated: 2022-12-31. Review status: criteria provided, single submitter. Criteria: Ambry Variant Classification Scheme 2023. Collection method: clinical testing. Allele origin: germline.
Comment: The p.T346P variant (also known as c.1036A>C), located in coding exon 9 of the POT1 gene, results from an A to C substitution at nucleotide position 1036. The threonine at codon 346 is replaced by proline, an amino acid with highly similar properties. This amino acid position is conserved. In addition, this alteration is predicted to be deleterious by in silico analysis. Since supporting evidence is limited at this time, the clinical significance of this alteration remains unclear.

NM_015450.3(POT1):c.1036A>C (p.Thr346Pro)

Gene: POT1 (protection of telomeres 1; minus strand). Cytogenetic location: 7q31.33.
Variant type: single nucleotide variant.
Coding change: c.1036A>C on transcript NM_015450.3 (MANE Select); coding-DNA position 1036, A replaced by C.
Protein change: p.Thr346Pro; replaces threonine 346 with proline.
Molecular consequence: missense variant. On other transcripts: non-coding transcript variant (3).
Genome position (GRCh38, 1-based): chr7:124,842,934, T>G on the plus strand (A>C on the coding strand, the complement: POT1 is on the minus strand). VCF-style: chr7-124842934-T-G. GRCh37 (hg19) VCF-style: chr7-124482988-T-G.
Other names: c.643A>C, p.Thr215Pro (NM_001042594.2); short protein forms T215P, T346P.
Identifiers: ClinVar variation 2450544 (VCV002450544.2), dbSNP rs2485402598, ClinGen allele CA369068562.
Genomic context (GRCh38, chr7:124,842,934, plus strand): 5'-ATTTTGCTCGGATGCGGTATTGTTGAGGAGCTTTTTGTTTCAAAATGGCACATAGTGGTG[T>G]CCTCTCCAAATACTGATGATCTGTAAGTACTGTAAAGAATTTTTATATTCAATCAGAATA-3'
Protein context (NP_056265.2, residues 336-356): ILTDHQYLER[Thr346Pro]PLCAILKQKA